The following is an entry in ClinVar:

ClinVar aggregate classification (germline): Pathogenic. Review status: criteria provided, single submitter (1 of 4 stars). 2 submissions from 2 submitters: Pathogenic (1). 1 of the submissions does not count toward it. Last evaluated 2023-06-28.

Conditions:
Chuvash polycythemia. Also called: POLYCYTHEMIA, VHL-DEPENDENT. Identifiers: Orphanet 238557, MedGen C1837915, MONDO:0009892, OMIM 263400.
Von Hippel-Lindau syndrome (VHLS). Also called: Von Hippel-Lindau; von Hippel–Lindau syndrome; VHL syndrome. Identifiers: Orphanet 892, MedGen C0019562, MONDO:0008667, OMIM 193300. Disease mechanism: loss of function.

Submissions (2):

Labcorp Genetics (formerly Invitae), Labcorp
Classification: Pathogenic for Von Hippel-Lindau syndrome; Chuvash polycythemia. Last evaluated: 2023-06-28. Review status: criteria provided, single submitter. Criteria: Invitae Variant Classification Sherloc (09022015). Collection method: clinical testing. Allele origin: germline.
Comment: For these reasons, this variant has been classified as Pathogenic. This variant disrupts the p.Arg82 amino acid residue in VHL. Other variant(s) that disrupt this residue have been determined to be pathogenic (PMID: 2362675, 10823831, 11739384, 12603429, 20447124, 23327821, 26973240). This suggests that this residue is clinically significant, and that variants that disrupt this residue are likely to be disease-causing. Advanced modeling of protein sequence and biophysical properties (such as structural, functional, and spatial information, amino acid conservation, physicochemical variation, residue mobility, and thermodynamic stability) performed at Invitae indicates that this missense variant is expected to disrupt VHL protein function. ClinVar contains an entry for this variant (Variation ID: 1297059). This missense change has been observed in individuals with clinical features of von Hippel-Lindau syndrome (PMID: 28781534; Invitae). This variant is not present in population databases (gnomAD no frequency). This sequence change replaces arginine, which is basic and polar, with glycine, which is neutral and non-polar, at codon 82 of the VHL protein (p.Arg82Gly).

Clinical Genomics Labs, University Health Network
Classification: Uncertain significance for Von Hippel-Lindau syndrome. Last evaluated: 2017-06-21. Review status: no assertion criteria provided. Criteria: ACMG Guidelines, 2015. Collection method: clinical testing. Allele origin: germline. Not counted in ClinVar's aggregate classification.

Literature cited by the submitters: PubMed 2362675 (cited by Labcorp Genetics (formerly Invitae), Labcorp); PubMed 10823831 (cited by Labcorp Genetics (formerly Invitae), Labcorp); PubMed 11739384 (cited by Labcorp Genetics (formerly Invitae), Labcorp); PubMed 12603429 (cited by Labcorp Genetics (formerly Invitae), Labcorp); PubMed 20447124 (cited by Labcorp Genetics (formerly Invitae), Labcorp); PubMed 23327821 (cited by Labcorp Genetics (formerly Invitae), Labcorp); PubMed 26973240 (cited by Labcorp Genetics (formerly Invitae), Labcorp); PubMed 28781534 (cited by Labcorp Genetics (formerly Invitae), Labcorp).

NM_000551.4(VHL):c.244C>G (p.Arg82Gly)

Gene: VHL (von Hippel-Lindau tumor suppressor; plus strand). Cytogenetic location: 3p25.3.
Variant type: single nucleotide variant.
Coding change: c.244C>G on transcript NM_000551.4 (MANE Select); coding-DNA position 244, C replaced by G.
Protein change: p.Arg82Gly; replaces arginine 82 with glycine.
Molecular consequence: missense variant.
Genome position (GRCh38, 1-based): chr3:10,142,091, C>G. VCF-style: chr3-10142091-C-G. GRCh37 (hg19) VCF-style: chr3-10183775-C-G.
Other names: c.244C>G, p.Arg82Gly (NM_001354723.2, NM_198156.3); short protein forms R82G.
Identifiers: ClinVar variation 1297059 (VCV001297059.6), dbSNP rs1214305423, ClinGen allele CA351750544.